The following is an entry in ClinVar:

NC_000023.10:g.(?_31893285)_(32235200_?)dup

Genes: DMD (dystrophin; minus strand), LOC129391297 (MPRA-validated peak7374 silencer; plus strand). Cytogenetic location: Xp21.1.
Variant type: Duplication.
Identifiers: ClinVar variation 526163 (VCV000526163.1).

ClinVar aggregate classification (germline): Pathogenic (1 of 4 stars; one submission).

Conditions:
Duchenne muscular dystrophy (DMD). Also called: Duchenne Muscular Dystrophy (DMD); MUSCULAR DYSTROPHY, PSEUDOHYPERTROPHIC PROGRESSIVE, DUCHENNE TYPE. Identifiers: Orphanet 98896, MedGen C0013264, MONDO:0010679, OMIM 310200.

Submission:

Labcorp Genetics (formerly Invitae), Labcorp
Classification: Pathogenic for Duchenne muscular dystrophy. Last evaluated: 2017-12-19. Review status: criteria provided, single submitter. Criteria: Invitae Variant Classification Sherloc (09022015). Collection method: clinical testing. Allele origin: germline.
Comment: This variant is a gross duplication of the genomic region encompassing exons 44-48 of the DMD gene. While the exact position of the duplicated exons cannot be determined from this data, the duplicated copy of this region is likely in tandem and may result in an absent or disrupted protein product. A similar duplication of exons 44-48 has been reported in several individuals affected with Duchenne muscular dystrophy (PMID: 25972034, 17253928). Sub-genic duplications are generally in tandem (PMID: 25640679), and result in an absent or disrupted protein. Loss-of-function variants in DMD are known to be pathogenic (PMID: 16770791, 25007885). For these reasons, this variant has been classified as Pathogenic.

Literature cited by the submitters: PubMed 25972034; PubMed 17253928.